The following is an entry in ClinVar:

NM_001605.3(AARS1):c.2494G>T (p.Ala832Ser)

Gene: AARS1 (alanyl-tRNA synthetase 1; minus strand). Cytogenetic location: 16q22.1.
Variant type: single nucleotide variant.
Coding change: c.2494G>T on transcript NM_001605.3 (MANE Select); coding-DNA position 2494, G replaced by T.
Protein change: p.Ala832Ser; replaces alanine 832 with serine.
Molecular consequence: missense variant.
Genome position (GRCh38, 1-based): chr16:70,253,945, C>A on the plus strand (G>T on the coding strand, the complement: AARS1 is on the minus strand). VCF-style: chr16-70253945-C-A. GRCh37 (hg19) VCF-style: chr16-70287848-C-A.
Other names: short protein forms A832S.
Identifiers: ClinVar variation 2726765 (VCV002726765.3), dbSNP rs1384458210, ClinGen allele CA396555234.

ClinVar aggregate classification (germline): Uncertain significance (1 of 4 stars; one submission).

Conditions:
Charcot-Marie-Tooth disease type 2. Also called: Charcot-Marie-Tooth type 2. Identifiers: Orphanet 64746, MedGen C0270914, MONDO:0018993.

Allele frequency attached by ClinVar (database versions not stated): TOPMed below 0.00001.

Submission:

Labcorp Genetics (formerly Invitae), Labcorp
Classification: Uncertain significance for Charcot-Marie-Tooth disease type 2. Last evaluated: 2023-03-27. Review status: criteria provided, single submitter. Criteria: Invitae Variant Classification Sherloc (09022015). Collection method: clinical testing. Allele origin: germline.
Comment: This variant is present in population databases (no rsID available, gnomAD 0.007%). Advanced modeling of protein sequence and biophysical properties (such as structural, functional, and spatial information, amino acid conservation, physicochemical variation, residue mobility, and thermodynamic stability) performed at Invitae indicates that this missense variant is not expected to disrupt AARS protein function. In summary, the available evidence is currently insufficient to determine the role of this variant in disease. Therefore, it has been classified as a Variant of Uncertain Significance. This sequence change replaces alanine, which is neutral and non-polar, with serine, which is neutral and polar, at codon 832 of the AARS protein (p.Ala832Ser). This variant has not been reported in the literature in individuals affected with AARS-related conditions.